The following is an entry in ClinVar:

ClinVar aggregate classification (germline): Uncertain significance (1 of 4 stars; one submission).

Submission:

Labcorp Genetics (formerly Invitae), Labcorp
Classification: Uncertain significance. Last evaluated: 2021-04-23. Review status: criteria provided, single submitter. Criteria: Invitae Variant Classification Sherloc (09022015). Collection method: clinical testing. Allele origin: germline.
Comment: In summary, the available evidence is currently insufficient to determine the role of this variant in disease. Therefore, it has been classified as a Variant of Uncertain Significance. Algorithms developed to predict the effect of missense changes on protein structure and function are either unavailable or do not agree on the potential impact of this missense change (SIFT: "Deleterious"; PolyPhen-2: "Possibly Damaging"; Align-GVGD: "Class C0"). This variant has not been reported in the literature in individuals with ASPM-related conditions. This variant is not present in population databases (ExAC no frequency). This sequence change replaces histidine with proline at codon 1615 of the ASPM protein (p.His1615Pro). The histidine residue is moderately conserved and there is a moderate physicochemical difference between histidine and proline.

NM_018136.5(ASPM):c.4844A>C (p.His1615Pro)

Gene: ASPM (assembly factor for spindle microtubules; minus strand). Cytogenetic location: 1q31.3.
Variant type: single nucleotide variant.
Coding change: c.4844A>C on transcript NM_018136.5 (MANE Select); coding-DNA position 4844, A replaced by C.
Protein change: p.His1615Pro; replaces histidine 1615 with proline.
Molecular consequence: missense variant. On other transcripts: intron variant (1).
Genome position (GRCh38, 1-based): chr1:197,104,407, T>G on the plus strand (A>C on the coding strand, the complement: ASPM is on the minus strand). VCF-style: chr1-197104407-T-G. GRCh37 (hg19) VCF-style: chr1-197073537-T-G.
Other names: c.4066-8243A>C (NM_001206846.2); short protein forms H1615P.
Identifiers: ClinVar variation 1438633 (VCV001438633.8), dbSNP rs1422965525, ClinGen allele CA344028753.